The following is an entry in ClinVar:

ClinVar aggregate classification (germline): Pathogenic/Likely pathogenic. Review status: criteria provided, multiple submitters, no conflicts (2 of 4 stars). 2 submissions from 2 submitters: Pathogenic (1); Likely pathogenic (1). Last evaluated 2023-12-02.

Conditions:
Ataxia-telangiectasia syndrome (AT). Also called: LOUIS-BAR SYNDROME; Cerebello-oculocutaneous telangiectasia; Immunodeficiency with ataxia telangiectasia; Ataxia telangiectasia (A-T); Ataxia-telangiectasia, complementation group D; AT, COMPLEMENTATION GROUP C. Identifiers: Orphanet 100, MedGen C0004135, MONDO:0008840, OMIM 208900.
Familial colorectal cancer type X. Identifiers: Orphanet 440437, MedGen C3896578, MONDO:0018604.

Submissions (2):

Labcorp Genetics (formerly Invitae), Labcorp
Classification: Likely pathogenic for Ataxia-telangiectasia syndrome. Last evaluated: 2023-12-02. Review status: criteria provided, single submitter. Criteria: Invitae Variant Classification Sherloc (09022015). Collection method: clinical testing. Allele origin: germline.
Comment: This variant results in the deletion of part of exon 45 (c.6453-1_6457del) of the ATM gene. It is expected to disrupt RNA splicing. Variants that disrupt the donor or acceptor splice site typically lead to a loss of protein function (PMID: 16199547), and loss-of-function variants in ATM are known to be pathogenic (PMID: 23807571, 25614872). This variant is not present in population databases (gnomAD no frequency). This variant has been observed in individual(s) with ataxia telangiectasia (PMID: 15390180). This variant is also known as IVS46-1 del6. ClinVar contains an entry for this variant (Variation ID: 1507266). In summary, the currently available evidence indicates that the variant is pathogenic, but additional data are needed to prove that conclusively. Therefore, this variant has been classified as Likely Pathogenic.

Department of Pathology and Laboratory Medicine, Sinai Health System
Classification: Pathogenic for Familial colorectal cancer type X. Last evaluated: 2022-01-18. Review status: criteria provided, single submitter. Criteria: ACMG Guidelines, 2015. Collection method: clinical testing. Allele origin: germline. Affected: yes.

Literature cited by the submitters: PubMed 16199547 (cited by Labcorp Genetics (formerly Invitae), Labcorp); PubMed 23807571 (cited by Labcorp Genetics (formerly Invitae), Labcorp); PubMed 25614872 (cited by Labcorp Genetics (formerly Invitae), Labcorp); PubMed 15390180 (cited by Labcorp Genetics (formerly Invitae), Labcorp).

NM_000051.4(ATM):c.6453-1_6457del

Genes: ATM (ATM serine/threonine kinase; plus strand), C11orf65 (chromosome 11 open reading frame 65; minus strand). Cytogenetic location: 11q22.3.
Variant type: Deletion.
Coding change: c.6453-1_6457del on transcript NM_000051.4 (MANE Select); the canonical splice acceptor site of the intron before coding-DNA position 6453 through coding-DNA position 6457, 6 bases deleted (GAGTAA; older notation c.6453-1_6457delGAGTAA).
Molecular consequence: splice acceptor variant. On other transcripts: intron variant (2).
Genome position (GRCh38, 1-based): chr11:108,321,300-108,321,305, GAGTAA deleted; deleting any 6 consecutive bases within chr11:108,321,299-108,321,305 gives the same sequence; the c. name uses the placement nearest the transcript's 3' end. VCF-style (leftmost placement, unchanged base first): chr11-108321298-TAGAGTA-T. GRCh37 (hg19) VCF-style: chr11-108192025-TAGAGTA-T.
Other names: c.6453-1_6457del (NM_001351834.2); c.641-12233_641-12228del (NM_001330368.2); c.*39-12233_*39-12228del (NM_001351110.2).
Identifiers: ClinVar variation 1507266 (VCV001507266.8), dbSNP rs2136238332, ClinGen allele CA2573146773.